The following is an entry in ClinVar:

ClinVar aggregate classification (germline): Pathogenic (1 of 4 stars; one submission).

Submission:

Labcorp Genetics (formerly Invitae), Labcorp
Classification: Pathogenic. Last evaluated: 2024-11-27. Review status: criteria provided, single submitter. Criteria: Invitae Variant Classification Sherloc (09022015). Collection method: clinical testing. Allele origin: germline.
Comment: This sequence change creates a premature translational stop signal (p.Ser8*) in the PNLIP gene. It is expected to result in an absent or disrupted protein product. Loss-of-function variants in PNLIP are known to be pathogenic (PMID: 31977950, 35284057). This variant is present in population databases (no rsID available, gnomAD 0.006%). This variant has not been reported in the literature in individuals affected with PNLIP-related conditions. For these reasons, this variant has been classified as Pathogenic.

Literature cited by the submitters: PubMed 31977950; PubMed 35284057.

NM_000936.4(PNLIP):c.23C>G (p.Ser8Ter)

Gene: PNLIP (pancreatic lipase; plus strand). Cytogenetic location: 10q25.3.
Variant type: single nucleotide variant.
Coding change: c.23C>G on transcript NM_000936.4 (MANE Select); coding-DNA position 23, C replaced by G.
Protein change: p.Ser8Ter; replaces serine 8 with a stop codon.
Molecular consequence: nonsense.
Genome position (GRCh38, 1-based): chr10:116,546,115, C>G. VCF-style: chr10-116546115-C-G. GRCh37 (hg19) VCF-style: chr10-118305627-C-G.
Other names: short protein forms S8*.
Identifiers: ClinVar variation 3671560 (VCV003671560.2).
Genomic context (GRCh38, chr10:116,546,115, plus strand): 5'-ACTTAGCCAGACTCAATCATGTTTTTAATTTCGTGTAGATGCTGCCACTTTGGACTCTTT[C>G]ACTGCTGCTGGGAGCAGTAGCAGGTAAGAAAACAAATAAATGTTGAGCTGGGAGAGATTC-3'